The following is an entry in ClinVar:

NM_020806.5(GPHN):c.47G>A (p.Arg16His)

Gene: GPHN (gephyrin; plus strand). Cytogenetic location: 14q23.3.
Variant type: single nucleotide variant.
Coding change: c.47G>A on transcript NM_020806.5 (MANE Select); coding-DNA position 47, G replaced by A.
Protein change: p.Arg16His; replaces arginine 16 with histidine.
Molecular consequence: missense variant.
Genome position (GRCh38, 1-based): chr14:66,508,574, G>A. VCF-style: chr14-66508574-G-A. GRCh37 (hg19) VCF-style: chr14-66975292-G-A.
Other names: c.47G>A, p.Arg16His (NM_001024218.2, NM_001377514.1, NM_001377515.1 and 4 more transcripts); short protein forms R16H.
Identifiers: ClinVar variation 3705291 (VCV003705291.2).
Genomic context (GRCh38, chr14:66,508,574, plus strand): 5'-CTGCGCTGGGAAACATGGCGACCGAGGGAATGATCCTTACTAACCACGACCATCAAATCC[G>A]TGTCGGAGTCCTTACAGGTAACCGGGGGAGGAGGTCTGGGACCTATGAGGCTGCTGTCCC-3'
Protein context (NP_065857.1, residues 6-26): MILTNHDHQI[Arg16His]VGVLTVSDSC

ClinVar aggregate classification (germline): Uncertain significance (1 of 4 stars; one submission).

Conditions:
Sulfite oxidase deficiency due to molybdenum cofactor deficiency type C. Also called: Molybdenum cofactor deficiency, complementation group C; Molybdenum cofactor deficiency C. Identifiers: Orphanet 308400, Orphanet 833, MedGen C1854990, MONDO:0014212, OMIM 615501.

gnomAD v4.1: 5 of 1,613,966 alleles (0.00031%); highest among the groups gnomAD compares: African/African-American, 0.0027%; no homozygotes.

Submission:

Labcorp Genetics (formerly Invitae), Labcorp
Classification: Uncertain significance for Sulfite oxidase deficiency due to molybdenum cofactor deficiency type C. Last evaluated: 2025-05-14. Review status: criteria provided, single submitter. Criteria: Invitae Variant Classification Sherloc (09022015). Collection method: clinical testing. Allele origin: germline.
Comment: This sequence change replaces arginine, which is basic and polar, with histidine, which is basic and polar, at codon 16 of the GPHN protein (p.Arg16His). This variant is present in population databases (rs764623558, gnomAD 0.007%). This variant has not been reported in the literature in individuals affected with GPHN-related conditions. ClinVar contains an entry for this variant (Variation ID: 3705291). Invitae Evidence Modeling of protein sequence and biophysical properties (such as structural, functional, and spatial information, amino acid conservation, physicochemical variation, residue mobility, and thermodynamic stability) indicates that this missense variant is not expected to disrupt GPHN protein function with a negative predictive value of 80%. In summary, the available evidence is currently insufficient to determine the role of this variant in disease. Therefore, it has been classified as a Variant of Uncertain Significance.